The following is an entry in ClinVar:

NM_001375524.1(TRRAP):c.6713G>T (p.Ser2238Ile)

Gene: TRRAP (transformation/transcription domain associated protein; plus strand). Cytogenetic location: 7q22.1.
Variant type: single nucleotide variant.
Coding change: c.6713G>T on transcript NM_001375524.1 (MANE Select); coding-DNA position 6713, G replaced by T.
Protein change: p.Ser2238Ile; replaces serine 2238 with isoleucine.
Molecular consequence: missense variant.
Genome position (GRCh38, 1-based): chr7:98,962,311, G>T. VCF-style: chr7-98962311-G-T. GRCh37 (hg19) VCF-style: chr7-98559934-G-T.
Other names: c.6692G>T, p.Ser2231Ile (NM_001244580.2); c.6638G>T, p.Ser2213Ile (NM_003496.4); short protein forms S2213I, S2231I, S2238I.
Identifiers: ClinVar variation 2823863 (VCV002823863.3), dbSNP rs1386593030, ClinGen allele CA368286587.

ClinVar aggregate classification (germline): Uncertain significance (1 of 4 stars; one submission).

Allele frequency attached by ClinVar (database versions not stated): gnomAD 0.00001.
gnomAD v4.1: 7 of 1,614,074 alleles (0.00043%); highest among the groups gnomAD compares: East Asian, 0.0022%; no homozygotes.

Submission:

Labcorp Genetics (formerly Invitae), Labcorp
Classification: Uncertain significance. Last evaluated: 2023-07-26. Review status: criteria provided, single submitter. Criteria: Invitae Variant Classification Sherloc (09022015). Collection method: clinical testing. Allele origin: germline.
Comment: In summary, the available evidence is currently insufficient to determine the role of this variant in disease. Therefore, it has been classified as a Variant of Uncertain Significance. Advanced modeling of protein sequence and biophysical properties (such as structural, functional, and spatial information, amino acid conservation, physicochemical variation, residue mobility, and thermodynamic stability) performed at Invitae indicates that this missense variant is not expected to disrupt TRRAP protein function. This variant has not been reported in the literature in individuals affected with TRRAP-related conditions. This variant is not present in population databases (gnomAD no frequency). This sequence change replaces serine, which is neutral and polar, with isoleucine, which is neutral and non-polar, at codon 2213 of the TRRAP protein (p.Ser2213Ile).